The following is an entry in ClinVar:

ClinVar aggregate classification (germline): Benign (1 of 4 stars; one submission).

Allele frequency attached by ClinVar (database versions not stated): 1000 Genomes Project 0.04373; 1000 Genomes Project 30x 0.04419.
gnomAD v4.1: 10,307 of 152,260 alleles (6.8%); highest among the groups gnomAD compares: Middle Eastern, 11%; 380 homozygotes.

Submission:

Women's Health and Genetics/Laboratory Corporation of America, LabCorp
Classification: Benign. Last evaluated: 2023-02-10. Review status: criteria provided, single submitter. Criteria: LabCorp Variant Classification Summary - May 2015. Collection method: clinical testing. Allele origin: germline.
Comment: Variant summary: CFTR c.54-589A>G is affects a non-conserved nucleotide, at a position not widely known to affect splicing. Although some computational tools predict that the variant might create a 5' donor site, these predictions have not been confirmed by functional studies. The variant allele was found at a frequency of 0.067 in 150916 control chromosomes in the gnomAD database, including 371 homozygotes (gnomAD v3.1.2). The observed variant frequency is approximately 5-fold of the estimated maximal expected allele frequency for a pathogenic variant in CFTR causing Cystic Fibrosis phenotype (0.013), strongly suggesting that the variant is benign. To our knowledge, no occurrence of c.54-589A>G in individuals affected with Cystic Fibrosis and no experimental evidence demonstrating its impact on protein function have been reported. No clinical diagnostic laboratories have submitted clinical-significance assessments for this variant to ClinVar after 2014. Based on the evidence outlined above, the variant was classified as benign.

NM_000492.4(CFTR):c.54-589A>G

Gene: CFTR (CF transmembrane conductance regulator; plus strand). Cytogenetic location: 7q31.2.
Variant type: single nucleotide variant.
Coding change: c.54-589A>G on transcript NM_000492.4 (MANE Select); 589 bases into the intron before coding-DNA position 54, A replaced by G.
Molecular consequence: intron variant.
Genome position (GRCh38, 1-based): chr7:117,503,664, A>G. VCF-style: chr7-117503664-A-G. GRCh37 (hg19) VCF-style: chr7-117143718-A-G.
Other names: c.54-589A>G (NM_000492.3).
Identifiers: ClinVar variation 2445765 (VCV002445765.1), dbSNP rs34654194, ClinGen allele CA164962973.